The following is an entry in ClinVar:

NM_178857.6(RP1L1):c.1587G>C (p.Glu529Asp)

Gene: RP1L1 (RP1 like 1). Cytogenetic location: 8p23.1.
Variant type: single nucleotide variant.
Coding change: c.1587G>C on transcript NM_178857.6 (MANE Select); coding-DNA position 1587, G replaced by C.
Protein change: p.Glu529Asp; replaces glutamic acid 529 with aspartic acid.
Molecular consequence: missense variant.
Genome position (GRCh38, 1-based): chr8:10,612,511, C>G on the plus strand (G>C on the coding strand, the complement: RP1L1 is on the minus strand). VCF-style: chr8-10612511-C-G. GRCh37 (hg19) VCF-style: chr8-10470021-C-G.
Other names: short protein forms E529D.
Identifiers: ClinVar variation 911645 (VCV000911645.5), dbSNP rs750105114, ClinGen allele CA4625119.
Genomic context (GRCh38, chr8:10,612,511, plus strand): 5'-ACCCCATTCGCTGGATCCCTCATGAGAGCCGGTGCTGGCTGACGAGTCCGAAGAAGCCCC[C>G]TCCTCACTCCGGGCCCTCGGTGTCAGGCGGCCGCCTTGCTCTGGGCCGCCCAGCCCTGCT-3'
Protein context (NP_849188.4, residues 519-539): GRLTPRARSE[Glu529Asp]GASSDSSAST

ClinVar aggregate classification (germline): Likely benign. Review status: criteria provided, multiple submitters, no conflicts (2 of 4 stars). 2 submissions from 2 submitters: Likely benign (2). Last evaluated 2023-10-01.

Conditions:
Occult macular dystrophy (OCMD). Also called: OMD; OCCULT MACULAR DYSTROPHY, SUSCEPTIBILITY TO. Identifiers: Orphanet 247834, MedGen C3150833, MONDO:0013316, OMIM 613587, HP:0030636.
Retinal dystrophy. Also called: Inherited retinal dystrophy. Identifiers: Orphanet 71862, MedGen C0854723, MeSH D058499, MONDO:0019118, HP:0000556.

Allele frequency attached by ClinVar (database versions not stated): TOPMed 0.00001; gnomAD 0.00002; gnomAD exomes 0.00003; ExAC 0.00004.
gnomAD v4.1: 67 of 1,612,030 alleles (0.0042%); highest among the groups gnomAD compares: East Asian, 0.15%; no homozygotes.

Submissions (2):

Dept Of Ophthalmology, Nagoya University
Classification: Likely benign for Retinal dystrophy. Last evaluated: 2023-10-01. Review status: criteria provided, single submitter. Criteria: Submitter's publication. Collection method: research. Allele origin: germline. Affected: yes.

Illumina Laboratory Services, Illumina
Classification: Likely benign for Occult macular dystrophy. Last evaluated: 2018-01-12. Review status: criteria provided, single submitter. Criteria: ICSL Variant Classification Criteria 13 December 2019. Collection method: clinical testing. Allele origin: germline.
Comment: This variant was observed in the ICSL laboratory as part of a predisposition screen in an ostensibly healthy population. It had not been previously curated by ICSL or reported in the Human Gene Mutation Database (HGMD: prior to June 1st, 2018), and was therefore a candidate for classification through an automated scoring system. Utilizing variant allele frequency, disease prevalence and penetrance estimates, and inheritance mode, an automated score was calculated to assess if this variant is too frequent to cause the disease. Based on the score and internal cut-off values, a variant classified as likely benign is not then subjected to further curation. The score for this variant resulted in a classification of likely benign for this disease.